The following is an entry in ClinVar:

NM_000540.3(RYR1):c.9801G>A (p.Pro3267=)

Gene: RYR1 (ryanodine receptor 1; plus strand). Cytogenetic location: 19q13.2.
Variant type: single nucleotide variant.
Coding change: c.9801G>A on transcript NM_000540.3 (MANE Select); coding-DNA position 9801, G replaced by A.
Protein change: p.Pro3267=; no amino-acid change (proline 3267 retained).
Molecular consequence: synonymous variant.
Genome position (GRCh38, 1-based): chr19:38,517,474, G>A. VCF-style: chr19-38517474-G-A. GRCh37 (hg19) VCF-style: chr19-39008114-G-A.
Other names: c.9801G>A, p.Pro3267= (NM_001042723.2).
Identifiers: ClinVar variation 701407 (VCV000701407.13), dbSNP rs138263729, ClinGen allele CA074167.

ClinVar aggregate classification (germline): Likely benign. Review status: criteria provided, multiple submitters, no conflicts (2 of 4 stars). 3 submissions from 3 submitters: Likely benign (2). 1 of the submissions does not count toward it. Last evaluated 2025-06-08.

Conditions:
Malignant hyperthermia, susceptibility to, 1 (MHS1). Also called: Anesthesia related hyperthermia; Malignant hyperpyrexia; Fulminating hyperpyrexia; Pharmacogenic myopathy; Malignant hyperthermia suceptibility 1; RYR1-Related Malignant Hyperthermia Susceptibility. Identifiers: Orphanet 423, MedGen C2930980, MONDO:0007783, OMIM 145600.
RYR1-related disorder. Also called: RYR1-related condition; RYR1-related disorders. Identifiers: MedGen CN239331.

Allele frequency attached by ClinVar (database versions not stated): TOPMed 0.00002; gnomAD 0.00003; ESP Exome Variant Server 0.00008; ExAC 0.00011; 1000 Genomes Project 30x 0.00016; 1000 Genomes Project 0.00020.
gnomAD v4.1: 76 of 1,614,076 alleles (0.0047%); highest among the groups gnomAD compares: South Asian, 0.012%; no homozygotes.

Submissions (3):

Labcorp Genetics (formerly Invitae), Labcorp
Classification: Likely benign for RYR1-related disorder. Last evaluated: 2025-06-08. Review status: criteria provided, single submitter. Criteria: Invitae Variant Classification Sherloc (09022015). Collection method: clinical testing. Allele origin: germline.

Color Diagnostics, LLC DBA Color Health
Classification: Likely benign for Malignant hyperthermia, susceptibility to, 1. Last evaluated: 2022-11-06. Review status: criteria provided, single submitter. Criteria: ACMG Guidelines, 2015. Collection method: clinical testing. Allele origin: germline.

PreventionGenetics, part of Exact Sciences
Classification: Likely benign for RYR1-related condition. Last evaluated: 2020-10-12. Review status: no assertion criteria provided. Collection method: clinical testing. Allele origin: germline. Not counted in ClinVar's aggregate classification.
Comment: This variant is classified as likely benign based on ACMG/AMP sequence variant interpretation guidelines (Richards et al. 2015 PMID: 25741868, with internal and published modifications).